The following is an entry in ClinVar:

ClinVar aggregate classification (germline): Conflicting classifications of pathogenicity. Review status: criteria provided, conflicting classifications (1 of 4 stars). 2 submissions from 2 submitters: Likely pathogenic (1); Uncertain significance (1). Last evaluated 2025-01-29.

Conditions:
Hereditary cancer-predisposing syndrome. Also called: Hereditary Cancer Syndrome; Neoplastic Syndromes, Hereditary; Tumor predisposition; Hereditary neoplastic syndrome. Identifiers: Orphanet 140162, MedGen C0027672, MeSH D009386, MONDO:0015356.
EGFR-related lung cancer (EGFR). Identifiers: MedGen CN130014.

gnomAD v4.1: 4 of 1,612,982 alleles (0.00025%); highest among the groups gnomAD compares: Non-Finnish European, 0.00034%; no homozygotes.

Submissions (2):

Ambry Genetics
Classification: Uncertain significance for Hereditary cancer-predisposing syndrome. Last evaluated: 2025-01-29. Review status: criteria provided, single submitter. Criteria: Ambry Variant Classification Scheme 2023. Collection method: clinical testing. Allele origin: germline.
Comment: The c.747+1G>A intronic variant results from a G to A substitution one nucleotide after coding exon 6 of the EGFR gene. This nucleotide position is highly conserved in available vertebrate species. In silico splice site analysis predicts that this alteration will weaken the native splice donor site. Alterations that disrupt the canonical splice site are expected to cause aberrant splicing, resulting in an abnormal protein or a transcript that is subject to nonsense-mediated mRNA decay. Loss-of-function variants subject to nonsense mediated decay (NMD) in EGFR are known to cause EGFR-related neonatal inflammatory skin and bowel disease; however, such associations with EGFR-related lung cancer have not been reported. Based on the supporting evidence, this alteration is likely pathogenic for EGFR-related neonatal inflammatory skin and bowl disease; however, the association of this alteration with EGFR-related lung cancer is unknown.

Labcorp Genetics (formerly Invitae), Labcorp
Classification: Likely pathogenic for EGFR-related lung cancer. Last evaluated: 2024-07-18. Review status: criteria provided, single submitter. Criteria: Invitae Variant Classification Sherloc (09022015). Collection method: clinical testing. Allele origin: germline.
Comment: This sequence change affects a donor splice site in intron 6 of the EGFR gene. It is expected to disrupt RNA splicing. Variants that disrupt the donor or acceptor splice site typically lead to a loss of protein function (PMID: 16199547), and loss-of-function variants in EGFR are known to be pathogenic (PMID: 7630400, 28726809, 29899996). This variant is present in population databases (no rsID available, gnomAD 0.0009%). This variant has not been reported in the literature in individuals affected with EGFR-related conditions. Algorithms developed to predict the effect of sequence changes on RNA splicing suggest that this variant may disrupt the consensus splice site. In summary, the currently available evidence indicates that the variant is pathogenic, but additional data are needed to prove that conclusively. Therefore, this variant has been classified as Likely Pathogenic.

Literature cited by the submitters: PubMed 16199547 (cited by Labcorp Genetics (formerly Invitae), Labcorp); PubMed 7630400 (cited by Labcorp Genetics (formerly Invitae), Labcorp); PubMed 28726809 (cited by Labcorp Genetics (formerly Invitae), Labcorp); PubMed 29899996 (cited by Labcorp Genetics (formerly Invitae), Labcorp).

NM_005228.5(EGFR):c.747+1G>A

Gene: EGFR (epidermal growth factor receptor; plus strand). Cytogenetic location: 7p11.2.
Variant type: single nucleotide variant.
Coding change: c.747+1G>A on transcript NM_005228.5 (MANE Select); the canonical splice donor site of the intron after coding-DNA position 747, G replaced by A.
Molecular consequence: splice donor variant. On other transcripts: intron variant (1).
Genome position (GRCh38, 1-based): chr7:55,152,665, G>A. VCF-style: chr7-55152665-G-A. GRCh37 (hg19) VCF-style: chr7-55220358-G-A.
Other names: c.747+1G>A (NM_005228.3, NM_001346898.2, NM_201284.2 and 2 more transcripts); c.612+1G>A (NM_001346899.2, NM_001346897.2); c.89-3165G>A (NM_001346941.2); c.588+1G>A (NM_001346900.2).
Identifiers: ClinVar variation 3618061 (VCV003618061.3).